The following is an entry in ClinVar:

NM_198252.3(GSN):c.988C>T (p.Pro330Ser)

Gene: GSN (gelsolin; plus strand). Cytogenetic location: 9q33.2.
Variant type: single nucleotide variant.
Coding change: c.988C>T on transcript NM_198252.3 (MANE Select); coding-DNA position 988, C replaced by T.
Protein change: p.Pro330Ser; replaces proline 330 with serine.
Molecular consequence: missense variant.
Genome position (GRCh38, 1-based): chr9:121,318,677, C>T. VCF-style: chr9-121318677-C-T. GRCh37 (hg19) VCF-style: chr9-124080955-C-T.
Other names: c.1141C>T, p.Pro381Ser (NM_000177.5); c.988C>T, p.Pro330Ser (NM_001127662.2, NM_001127664.2, NM_001127665.2 and 10 more transcripts); c.1096C>T, p.Pro366Ser (NM_001127663.2); c.1021C>T, p.Pro341Ser (NM_001127666.2, NM_001127667.2, NM_001353073.2 and 13 more transcripts); c.1039C>T, p.Pro347Ser (NM_001258029.2); c.1012C>T, p.Pro338Ser (NM_001258030.2); c.1060C>T, p.Pro354Ser (NM_001353076.2); c.334C>T, p.Pro112Ser (NM_001353078.2); short protein forms P347S, P366S, P381S, P330S, P112S, P338S, P341S, P354S.
Identifiers: ClinVar variation 2798289 (VCV002798289.3), dbSNP rs897244135, ClinGen allele CA199411988.

ClinVar aggregate classification (germline): Uncertain significance (1 of 4 stars; one submission).

Submission:

Labcorp Genetics (formerly Invitae), Labcorp
Classification: Uncertain significance. Last evaluated: 2023-12-11. Review status: criteria provided, single submitter. Criteria: Invitae Variant Classification Sherloc (09022015). Collection method: clinical testing. Allele origin: germline.
Comment: This sequence change replaces proline, which is neutral and non-polar, with serine, which is neutral and polar, at codon 381 of the GSN protein (p.Pro381Ser). This variant is not present in population databases (gnomAD no frequency). This variant has not been reported in the literature in individuals affected with GSN-related conditions. Advanced modeling of protein sequence and biophysical properties (such as structural, functional, and spatial information, amino acid conservation, physicochemical variation, residue mobility, and thermodynamic stability) performed at Invitae indicates that this missense variant is not expected to disrupt GSN protein function with a negative predictive value of 80%. In summary, the available evidence is currently insufficient to determine the role of this variant in disease. Therefore, it has been classified as a Variant of Uncertain Significance.